The following is an entry in ClinVar:

ClinVar aggregate classification (germline): Uncertain significance (1 of 4 stars; one submission).

Conditions:
Inborn genetic diseases. Identifiers: MedGen C0950123, MeSH D030342.

Submission:

Ambry Genetics
Classification: Uncertain significance for Inborn genetic diseases. Last evaluated: 2025-12-21. Review status: criteria provided, single submitter. Criteria: Ambry Variant Classification Scheme 2023. Collection method: clinical testing. Allele origin: germline.
Comment: The p.M806I variant (also known as c.2418G>C), located in coding exon 12 of the BMPR2 gene, results from a G to C substitution at nucleotide position 2418. The methionine at codon 806 is replaced by isoleucine, an amino acid with highly similar properties. This amino acid position is conserved. In addition, the in silico prediction for this alteration is inconclusive. Based on the available evidence, the clinical significance of this variant remains unclear.

NM_001204.7(BMPR2):c.2418G>C (p.Met806Ile)

Gene: BMPR2 (bone morphogenetic protein receptor type 2; plus strand). Cytogenetic location: 2q33.2.
Variant type: single nucleotide variant.
Coding change: c.2418G>C on transcript NM_001204.7 (MANE Select); coding-DNA position 2418, G replaced by C.
Protein change: p.Met806Ile; replaces methionine 806 with isoleucine.
Molecular consequence: missense variant.
Genome position (GRCh38, 1-based): chr2:202,556,083, G>C. VCF-style: chr2-202556083-G-C. GRCh37 (hg19) VCF-style: chr2-203420806-G-C.
Other names: short protein forms M806I.
Identifiers: ClinVar variation 4843357 (VCV004843357.1).